The following is an entry in ClinVar:

NM_001048174.2(MUTYH):c.493-2_493-1delinsCA

Gene: MUTYH (mutY DNA glycosylase; minus strand). Cytogenetic location: 1p34.1.
Variant type: Indel.
Coding change: c.493-2_493-1delinsCA on transcript NM_001048174.2 (MANE Select); the canonical splice acceptor site of the intron before coding-DNA position 493, AG replaced by CA.
Molecular consequence: splice acceptor variant.
Genome position (GRCh38, 1-based): chr1:45,332,688-45,332,689, CT replaced by TG on the plus strand (AG replaced by CA on the coding strand, the reverse complement: MUTYH is on the minus strand). VCF-style: chr1-45332688-CT-TG. GRCh37 (hg19) VCF-style: chr1-45798360-CT-TG.
Other names: c.148-2_148-1delinsCA (NM_001350651.2, NM_001350650.2); c.217-2_217-1delinsCA (NM_001293192.2, NM_001293196.2); c.493-2_493-1delinsCA (NM_001048171.2, NM_001048173.2, NM_001293195.2); c.538-2_538-1delinsCA (NM_001293190.2); c.568-2_568-1delinsCA (NM_012222.3); c.577-2_577-1delinsCA (NM_001128425.2); c.496-2_496-1delinsCA (NM_001048172.2); c.526-2_526-1delinsCA (NM_001293191.2).
Identifiers: ClinVar variation 1749555 (VCV001749555.4), dbSNP rs2524158645, ClinGen allele CA2580063120.

ClinVar aggregate classification (germline): Conflicting classifications of pathogenicity. Review status: criteria provided, conflicting classifications (1 of 4 stars). 2 submissions from 2 submitters: Likely pathogenic (1); Uncertain significance (1). Last evaluated 2026-02-03.

Conditions:
Hereditary cancer-predisposing syndrome. Also called: Hereditary Cancer Syndrome; Hereditary neoplastic syndrome; Neoplastic Syndromes, Hereditary; Tumor predisposition. Identifiers: Orphanet 140162, MedGen C0027672, MeSH D009386, MONDO:0015356.
Familial adenomatous polyposis 2. Also called: MUTYH-associated polyposis; MUTYH-related attenuated familial adenomatous polyposis; FAP type 2; Adenomas, multiple colorectal; MYH-associated polyposis; MUTYH Polyposis. Identifiers: Orphanet 220460, Orphanet 247798, MedGen C3272841, MONDO:0012041, OMIM 608456.

Submissions (2):

Ambry Genetics
Classification: Uncertain significance for Hereditary cancer-predisposing syndrome. Last evaluated: 2026-02-03. Review status: criteria provided, single submitter. Criteria: Ambry Variant Classification Scheme 2023. Collection method: clinical testing. Allele origin: germline.
Comment: The c.577-2_577-1delAGinsCA intronic variant, located in intron 7 of the MUTYH gene, results from an in-frame from the deletion of two nucleotides and the insertion of two nucleotides at nucleotide position 577. These nucleotide positions are highly conserved in available vertebrate species. In silico splice site analysis predicts that this alteration will weaken the native splice acceptor site and may result in the creation or strengthening of a novel splice acceptor site. RNA studies have demonstrated that this alteration results in abnormal splicing in the set of samples tested (Ambry internal data). Since supporting evidence is limited at this time, the clinical significance of this alteration remains unclear.

All of Us Research Program, National Institutes of Health
Classification: Likely pathogenic for Familial adenomatous polyposis 2. Last evaluated: 2024-09-27. Review status: criteria provided, single submitter. Criteria: ACMG Guidelines, 2015. Collection method: clinical testing. Allele origin: germline. Inheritance: Autosomal recessive inheritance. Observed: 1 variant allele, 1 heterozygote.
Comment: This variant, also known as c.493-2_493-1delinsCA based on the NM_001048174.2 transcript, deletes 2 nucleotides and inserts 2 nucleotides at the -2 and -1 positions. Splice site prediction tools predict that this variant may have a significant impact on RNA splicing and is expected to result in an absent or non-functional protein product. This variant has been reported to impact RNA splicing by an external laboratory, however, detailed data are not available for review (ClinVar SCV002653095.2). This variant has not been reported in individuals affected with MUTYH-related disorders in the literature. This variant has not been identified in the general population by the Genome Aggregation Database (gnomAD). Based on the available evidence, this variant is classified as Likely Pathogenic.

This study involves interpretation of variants in research participants for the purpose of population health screening. Participant phenotype was not available at the time of variant classification. Additional details can be found in publication PMID: 35346344, PMCID: PMC8962531